The following is an entry in ClinVar:

ClinVar aggregate classification (germline): Benign (1 of 4 stars; one submission).

Allele frequency attached by ClinVar (database versions not stated): gnomAD 0.05884 and 0.06132; TOPMed 0.06173; 1000 Genomes Project 30x 0.07651; 1000 Genomes Project 0.07947.
gnomAD v4.1: 9,440 of 152,272 alleles (6.2%); highest among the groups gnomAD compares: East Asian, 17%; 380 homozygotes.

Submission:

GeneDx
Classification: Benign. Last evaluated: 2018-06-14. Review status: criteria provided, single submitter. Criteria: GeneDx Variant Classification (06012015). Collection method: clinical testing. Allele origin: germline. Affected: yes.
Comment: This variant is considered likely benign or benign based on one or more of the following criteria: it is a conservative change, it occurs at a poorly conserved position in the protein, it is predicted to be benign by multiple in silico algorithms, and/or has population frequency not consistent with disease.

NM_005006.7(NDUFS1):c.1133+233C>T

Gene: NDUFS1 (NADH:ubiquinone oxidoreductase core subunit S1; minus strand). Cytogenetic location: 2q33.3.
Variant type: single nucleotide variant.
Coding change: c.1133+233C>T on transcript NM_005006.7 (MANE Select); 233 bases into the intron after coding-DNA position 1133, C replaced by T.
Molecular consequence: intron variant.
Genome position (GRCh38, 1-based): chr2:206,142,453, G>A on the plus strand (C>T on the coding strand, the complement: NDUFS1 is on the minus strand). VCF-style: chr2-206142453-G-A. GRCh37 (hg19) VCF-style: chr2-207007177-G-A.
Other names: c.800+233C>T (NM_001199982.2); c.962+233C>T (NM_001199983.2); c.1025+233C>T (NM_001199981.2); c.1175+233C>T (NM_001199984.2).
Identifiers: ClinVar variation 669514 (VCV000669514.1), dbSNP rs4147716, ClinGen allele CA11238262.
Genomic context (GRCh38, chr2:206,142,453, plus strand): 5'-TTAGTAGAGACGGGGTTTCGCCATGTTGGCCAGGCTGGTCTCAAACTCCTGCACTTAGGC[G>A]ATCTGCCTGCCTTGGCCTCCCAGAGTGCTGGGATTACAGGCGTGAGCCACTGTGCCTGAG-3'